The following is an entry in ClinVar:

NM_001354604.2(MITF):c.454G>A (p.Ala152Thr)

Gene: MITF (melanocyte inducing transcription factor; plus strand). Cytogenetic location: 3p13.
Variant type: single nucleotide variant.
Coding change: c.454G>A on transcript NM_001354604.2 (MANE Select); coding-DNA position 454, G replaced by A.
Protein change: p.Ala152Thr; replaces alanine 152 with threonine.
Molecular consequence: missense variant. On other transcripts: intron variant (1).
Genome position (GRCh38, 1-based): chr3:69,937,921, G>A. VCF-style: chr3-69937921-G-A. GRCh37 (hg19) VCF-style: chr3-69987072-G-A.
Other names: c.133G>A, p.Ala45Thr (NM_000248.4, NM_001184968.2, NM_198158.3); c.298G>A, p.Ala100Thr (NM_001184967.2, NM_001354608.2); c.451G>A, p.Ala151Thr (NM_001354605.2, NM_001354606.2, NM_006722.3); c.403G>A, p.Ala135Thr (NM_001354607.2); c.454G>A, p.Ala152Thr (NM_198159.3); c.406G>A, p.Ala136Thr (NM_198177.3); c.93+40G>A (NM_198178.3); short protein forms A100T, A135T, A136T, A151T, A152T, A45T.
Identifiers: ClinVar variation 3369506 (VCV003369506.2).

ClinVar aggregate classification (germline): Uncertain significance. Review status: criteria provided, multiple submitters, no conflicts (2 of 4 stars). 2 submissions from 2 submitters: Uncertain significance (2). Last evaluated 2025-08-04.

Conditions:
Hereditary cancer-predisposing syndrome. Also called: Tumor predisposition; Neoplastic Syndromes, Hereditary; Hereditary neoplastic syndrome; Hereditary Cancer Syndrome. Identifiers: Orphanet 140162, MedGen C0027672, MeSH D009386, MONDO:0015356.

gnomAD v4.1: 1 of 1,614,118 alleles (0.000062%); no homozygotes.

Submissions (2):

Ambry Genetics
Classification: Uncertain significance for Hereditary cancer-predisposing syndrome. Last evaluated: 2025-08-04. Review status: criteria provided, single submitter. Criteria: Ambry Variant Classification Scheme 2023. Collection method: clinical testing. Allele origin: germline.
Comment: The p.A45T variant (also known as c.133G>A), located in coding exon 2 of the MITF gene, results from a G to A substitution at nucleotide position 133. The alanine at codon 45 is replaced by threonine, an amino acid with similar properties. This amino acid position is conserved. In addition, this alteration is predicted to be tolerated by in silico analysis. Based on the available evidence, the clinical significance of this variant remains unclear.

GeneDx
Classification: Uncertain significance. Last evaluated: 2024-02-21. Review status: criteria provided, single submitter. Criteria: GeneDx Variant Classification Process June 2021. Collection method: clinical testing. Allele origin: germline. Affected: yes.
Comment: Not observed at significant frequency in large population cohorts (gnomAD); In silico analysis supports that this missense variant does not alter protein structure/function; Has not been previously published as pathogenic or benign to our knowledge